The following is an entry in ClinVar:

NM_014946.4(SPAST):c.1636G>A (p.Gly546Arg)

Gene: SPAST (spastin; plus strand). Cytogenetic location: 2p22.3.
Variant type: single nucleotide variant.
Coding change: c.1636G>A on transcript NM_014946.4 (MANE Select); coding-DNA position 1636, G replaced by A.
Protein change: p.Gly546Arg; replaces glycine 546 with arginine.
Molecular consequence: missense variant. On other transcripts: intron variant (1).
Genome position (GRCh38, 1-based): chr2:32,144,956, G>A. VCF-style: chr2-32144956-G-A. GRCh37 (hg19) VCF-style: chr2-32370025-G-A.
Other names: c.1633G>A, p.Gly545Arg (NM_001363823.2); c.1537G>A, p.Gly513Arg (NM_001363875.2); c.1540G>A, p.Gly514Arg (NM_199436.2); c.1520+1541G>A (NM_001377959.1); short protein forms G513R, G514R, G545R, G546R.
Identifiers: ClinVar variation 3378005 (VCV003378005.4).

ClinVar aggregate classification (germline): Pathogenic/Likely pathogenic. Review status: criteria provided, multiple submitters, no conflicts (2 of 4 stars). 3 submissions from 3 submitters: Pathogenic (2); Likely pathogenic (1). Last evaluated 2024-05-13.

Conditions:
Hereditary spastic paraplegia 4. Also called: Spastic paraplegia 4, autosomal dominant; Familial spastic paraplegia autosomal dominant 2; Spastic Paraplegia 4. Identifiers: Orphanet 100985, MedGen C1866855, MONDO:0008438, OMIM 182601.

Submissions (3):

GeneDx
Classification: Pathogenic. Last evaluated: 2024-05-13. Review status: criteria provided, single submitter. Criteria: GeneDx Variant Classification Process June 2021. Collection method: clinical testing. Allele origin: germline. Affected: yes.
Comment: In silico analysis supports that this missense variant has a deleterious effect on protein structure/function; Not observed at significant frequency in large population cohorts (gnomAD); This variant is associated with the following publications: (PMID: 31157359, 21139634, 26094131, 27260292)

Department of Human Genetics, Hannover Medical School
Classification: Pathogenic for Hereditary spastic paraplegia 4. Last evaluated: 2022-12-16. Review status: criteria provided, single submitter. Criteria: ACMG Guidelines, 2015. Collection method: clinical testing. Allele origin: germline. Inheritance: Autosomal dominant inheritance. Affected: yes.

Juno Genomics, Hangzhou Juno Genomics, Inc
Classification: Likely pathogenic for Hereditary spastic paraplegia 4. Review status: criteria provided, single submitter. Criteria: ACMG Guidelines, 2015. Collection method: clinical testing. Allele origin: germline. Affected: yes.
Comment: Absent from controls (or at extremely low frequency if recessive) in Genome Aggregation Database, Exome Sequencing Project, 1000 Genomes Project, or Exome Aggregation Consortium.;Multiple lines of computational evidence support a deleterious effect on the gene or gene product (conservation, evolutionary, splicing impact, etc).;The prevalence of the variant in affected individuals is significantly increased compared to the prevalence in controls.;Assumed de novo, but without confirmation of paternity and maternity.;Patient's phenotype or family history is highly specific for a disease with a single genetic etiology.